The following is an entry in ClinVar:

NM_001257180.2(SLC20A2):c.730G>C (p.Gly244Arg)

Gene: SLC20A2 (solute carrier family 20 member 2; minus strand). Cytogenetic location: 8p11.21.
Variant type: single nucleotide variant.
Coding change: c.730G>C on transcript NM_001257180.2 (MANE Select); coding-DNA position 730, G replaced by C.
Protein change: p.Gly244Arg; replaces glycine 244 with arginine.
Molecular consequence: missense variant.
Genome position (GRCh38, 1-based): chr8:42,444,646, C>G on the plus strand (G>C on the coding strand, the complement: SLC20A2 is on the minus strand). VCF-style: chr8-42444646-C-G. GRCh37 (hg19) VCF-style: chr8-42302164-C-G.
Other names: c.730G>C, p.Gly244Arg (NM_001257181.2, NM_006749.5); short protein forms G244R.
Identifiers: ClinVar variation 3572729 (VCV003572729.3).

ClinVar aggregate classification (germline): Uncertain significance. Review status: criteria provided, multiple submitters, no conflicts (2 of 4 stars). 2 submissions from 2 submitters: Uncertain significance (2). Last evaluated 2026-01-24.

Submissions (2):

Labcorp Genetics (formerly Invitae), Labcorp
Classification: Uncertain significance. Last evaluated: 2026-01-24. Review status: criteria provided, single submitter. Criteria: Invitae Variant Classification Sherloc (09022015). Collection method: clinical testing. Allele origin: germline.
Comment: This sequence change replaces glycine, which is neutral and non-polar, with arginine, which is basic and polar, at codon 244 of the SLC20A2 protein (p.Gly244Arg). This variant also falls at the last nucleotide of exon 6, which is part of the consensus splice site for this exon. This variant is present in population databases (rs762742061, gnomAD 0.007%). This variant has not been reported in the literature in individuals affected with SLC20A2-related conditions. ClinVar contains an entry for this variant (Variation ID: 3572729). Invitae Evidence Modeling of protein sequence and biophysical properties (such as structural, functional, and spatial information, amino acid conservation, physicochemical variation, residue mobility, and thermodynamic stability) indicates that this missense variant is not expected to disrupt SLC20A2 protein function with a negative predictive value of 95%. Variants that disrupt the consensus splice site are a relatively common cause of aberrant splicing (PMID: 17576681, 9536098). Algorithms developed to predict the effect of sequence changes on RNA splicing suggest that this variant may disrupt the consensus splice site. In summary, the available evidence is currently insufficient to determine the role of this variant in disease. Therefore, it has been classified as a Variant of Uncertain Significance.

GeneDx
Classification: Uncertain significance. Last evaluated: 2025-05-04. Review status: criteria provided, single submitter. Criteria: GeneDx Variant Classification Process June 2021. Collection method: clinical testing. Allele origin: germline.
Comment: In silico analysis suggests that this missense variant does not alter protein structure/function; However, in silico analysis supports a deleterious effect on splicing; Not observed at significant frequency in large population cohorts (gnomAD); Has not been previously published as pathogenic or benign to our knowledge

Literature cited by the submitters: PubMed 17576681 (cited by Labcorp Genetics (formerly Invitae), Labcorp); PubMed 9536098 (cited by Labcorp Genetics (formerly Invitae), Labcorp).